The following is an entry in ClinVar:

ClinVar aggregate classification (germline): Likely pathogenic (1 of 4 stars; one submission).

Conditions:
Hereditary cancer-predisposing syndrome. Also called: Hereditary Cancer Syndrome; Hereditary neoplastic syndrome; Neoplastic Syndromes, Hereditary; Tumor predisposition. Identifiers: Orphanet 140162, MedGen C0027672, MeSH D009386, MONDO:0015356.

Submission:

Ambry Genetics
Classification: Likely pathogenic for Hereditary cancer-predisposing syndrome. Last evaluated: 2025-07-15. Review status: criteria provided, single submitter. Criteria: Ambry Variant Classification Scheme 2023. Collection method: clinical testing. Allele origin: germline.
Comment: The c.1390-2A>C intronic variant results from an A to C substitution two nucleotides upstream from coding exon 10 in the CTNNA1 gene. This nucleotide position is highly conserved in available vertebrate species. In silico splice site analysis predicts that this alteration will weaken the native splice acceptor site and will result in the creation or strengthening of a novel splice acceptor site. Alterations that disrupt the canonical splice site are expected to cause aberrant splicing, resulting in an abnormal protein or a transcript that is subject to nonsense-mediated mRNA decay. Based on the majority of available evidence to date, this variant is likely to be pathogenic.

NM_001903.5(CTNNA1):c.1390-2A>C

Gene: CTNNA1 (catenin alpha 1; plus strand). Cytogenetic location: 5q31.2.
Variant type: single nucleotide variant.
Coding change: c.1390-2A>C on transcript NM_001903.5 (MANE Select); the canonical splice acceptor site of the intron before coding-DNA position 1390, A replaced by C.
Molecular consequence: splice acceptor variant.
Genome position (GRCh38, 1-based): chr5:138,917,740, A>C. VCF-style: chr5-138917740-A-C. GRCh37 (hg19) VCF-style: chr5-138253429-A-C.
Other names: c.1390-2A>C (NM_001323982.2, NM_001323984.2, NM_001290307.3 and 2 more transcripts); c.1297-2A>C (NM_001323986.2); c.1021-2A>C (NM_001290310.3); c.1081-2A>C (NM_001290309.3); c.280-2A>C (NM_001323996.1, NM_001323993.1, NM_001324005.1 and 17 more transcripts); c.-60-2A>C (NM_001324007.1, NM_001324009.1, NM_001324006.1 and 2 more transcripts); c.37-2A>C (NM_001324013.1, NM_001324012.1); c.187-2A>C (NM_001324011.1).
Identifiers: ClinVar variation 1771533 (VCV001771533.3), dbSNP rs1762091435, ClinGen allele CA361137007.